The following is an entry in ClinVar:

ClinVar aggregate classification (germline): Uncertain significance. Review status: criteria provided, multiple submitters, no conflicts (2 of 4 stars). 2 submissions from 2 submitters: Uncertain significance (2). Last evaluated 2024-02-24.

Allele frequency attached by ClinVar (database versions not stated): gnomAD exomes 0.00002 and 0.00003; ExAC 0.00003; gnomAD 0.00005 and 0.00006; ESP Exome Variant Server 0.00008; TOPMed 0.00011.

Submissions (2):

Labcorp Genetics (formerly Invitae), Labcorp
Classification: Uncertain significance. Last evaluated: 2024-02-24. Review status: criteria provided, single submitter. Criteria: Invitae Variant Classification Sherloc (09022015). Collection method: clinical testing. Allele origin: germline.
Comment: This sequence change replaces arginine, which is basic and polar, with glutamine, which is neutral and polar, at codon 946 of the PCDH12 protein (p.Arg946Gln). The frequency data for this variant in the population databases is considered unreliable, as metrics indicate poor data quality at this position in the gnomAD database. This variant has not been reported in the literature in individuals affected with PCDH12-related conditions. ClinVar contains an entry for this variant (Variation ID: 1436315). Advanced modeling of protein sequence and biophysical properties (such as structural, functional, and spatial information, amino acid conservation, physicochemical variation, residue mobility, and thermodynamic stability) performed at Invitae indicates that this missense variant is not expected to disrupt PCDH12 protein function with a negative predictive value of 95%. In summary, the available evidence is currently insufficient to determine the role of this variant in disease. Therefore, it has been classified as a Variant of Uncertain Significance.

Breakthrough Genomics
Classification: Uncertain significance. Review status: criteria provided, single submitter. Criteria: ACMG Guidelines, 2015. Collection method: not provided. Allele origin: germline. Inheritance: Autosomal recessive inheritance. Affected: yes.

NM_016580.4(PCDH12):c.2837G>A (p.Arg946Gln)

Genes: PCDH12 (protocadherin 12; minus strand), RNF14 (ring finger protein 14; plus strand). Cytogenetic location: 5q31.3.
Variant type: single nucleotide variant.
Coding change: c.2837G>A on transcript NM_016580.4 (MANE Select); coding-DNA position 2837, G replaced by A.
Protein change: p.Arg946Gln; replaces arginine 946 with glutamine.
Molecular consequence: missense variant.
Genome position (GRCh38, 1-based): chr5:141,955,015, C>T on the plus strand (G>A on the coding strand, the complement: PCDH12 is on the minus strand). VCF-style: chr5-141955015-C-T. GRCh37 (hg19) VCF-style: chr5-141334580-C-T.
Other names: short protein forms R946Q.
Identifiers: ClinVar variation 1436315 (VCV001436315.9), dbSNP rs375840810, ClinGen allele CA3484122.